The following is an entry in ClinVar:

ClinVar aggregate classification (germline): Benign. Review status: criteria provided, single submitter (1 of 4 stars). 3 submissions from 1 submitter: Benign (3). Last evaluated 2018-01-12.

Conditions:
Leprechaunism syndrome. Also called: Donohue syndrome; LEPRECHAUNISM. Identifiers: Orphanet 508, MedGen C0265344, MONDO:0009517, OMIM 246200.
Insulin-resistant diabetes mellitus AND acanthosis nigricans. Also called: Insulin-resistance syndrome type A; INSULIN RECEPTOR, DEFECT IN, WITH INSULIN-RESISTANT DIABETES MELLITUS AND ACANTHOSIS NIGRICANS; IRAN, TYPE A; type A insulin resistance; DIABETES MELLITUS, INSULIN-RESISTANT, WITH ACANTHOSIS NIGRICANS, TYPE A. Identifiers: Orphanet 2297, MedGen C0342278, MONDO:0012520, OMIM 610549.
Rabson-Mendenhall syndrome. Also called: MENDENHALL SYNDROME; Pineal Hyperplasia, Insulin-Resistant Diabetes Mellitus, and Somatic Abnormalities; Pineal hyperplasia AND diabetes mellitus syndrome. Identifiers: Orphanet 769, MedGen C0271695, MONDO:0009874, OMIM 262190.

Allele frequency attached by ClinVar (database versions not stated): 1000 Genomes Project 30x 0.00625; 1000 Genomes Project 0.00639; gnomAD 0.00664; TOPMed 0.00733.

Submissions (3):

Illumina Laboratory Services, Illumina
Classification: Benign for Rabson-Mendenhall syndrome. Last evaluated: 2018-01-12. Review status: criteria provided, single submitter. Criteria: ICSL Variant Classification Criteria 13 December 2019. Collection method: clinical testing. Allele origin: germline.
Comment: This variant was observed in the ICSL laboratory as part of a predisposition screen in an ostensibly healthy population. It had not been previously curated by ICSL or reported in the Human Gene Mutation Database (HGMD: prior to June 1st, 2018), and was therefore a candidate for classification through an automated scoring system. Utilizing variant allele frequency, disease prevalence and penetrance estimates, and inheritance mode, an automated score was calculated to assess if this variant is too frequent to cause the disease. Based on the score and internal cut-off values, a variant classified as benign is not then subjected to further curation. The score for this variant resulted in a classification of benign for this disease.

Illumina Laboratory Services, Illumina
Classification: Benign for Leprechaunism syndrome. Last evaluated: 2018-01-12. Review status: criteria provided, single submitter. Criteria: ICSL Variant Classification Criteria 13 December 2019. Collection method: clinical testing. Allele origin: germline.
Comment: the same text as in the submission from Illumina Laboratory Services, Illumina above.

Illumina Laboratory Services, Illumina
Classification: Benign for Insulin-resistant diabetes mellitus AND acanthosis nigricans. Last evaluated: 2018-01-12. Review status: criteria provided, single submitter. Criteria: ICSL Variant Classification Criteria 13 December 2019. Collection method: clinical testing. Allele origin: germline.
Comment: the same text as in the submission from Illumina Laboratory Services, Illumina above.

NM_000208.4(INSR):c.*1089A>G

Gene: INSR (insulin receptor; minus strand). Cytogenetic location: 19p13.2.
Variant type: single nucleotide variant.
Coding change: c.*1089A>G on transcript NM_000208.4 (MANE Select); 1089 bases downstream of the stop codon, A replaced by G.
Molecular consequence: 3 prime UTR variant.
Genome position (GRCh38, 1-based): chr19:7,115,967, T>C on the plus strand (A>G on the coding strand, the complement: INSR is on the minus strand). VCF-style: chr19-7115967-T-C. GRCh37 (hg19) VCF-style: chr19-7115978-T-C.
Other names: c.*1089A>G (NM_001079817.3).
Identifiers: ClinVar variation 330411 (VCV000330411.5), dbSNP rs116422284, ClinGen allele CA10649222.
Genomic context (GRCh38, chr19:7,115,967, plus strand): 5'-AGAGGCCACTTGTGCCTGACTCCCTCCCCTTCCCGGCCCCACAACAGGCAGACCAACTCA[T>C]GTCCCCACTCCCCGCCAACCCCGGGGAATAGTCAATAACTTATGAGGCTAATACCAGAGA-3'